The following is an entry in ClinVar:

NM_016507.4(CDK12):c.3391A>G (p.Ile1131Val)

Gene: CDK12 (cyclin dependent kinase 12; plus strand). Cytogenetic location: 17q12.
Variant type: single nucleotide variant.
Coding change: c.3391A>G on transcript NM_016507.4 (MANE Select); coding-DNA position 3391, A replaced by G.
Protein change: p.Ile1131Val; replaces isoleucine 1131 with valine.
Molecular consequence: missense variant.
Genome position (GRCh38, 1-based): chr17:39,525,947, A>G. VCF-style: chr17-39525947-A-G. GRCh37 (hg19) VCF-style: chr17-37682200-A-G.
Other names: NP_057591.2:p.Ile1131Val; c.3391A>G, p.Ile1131Val (NM_015083.4); c.3391A>G (NM_016507.3); short protein forms I1131V.
Identifiers: ClinVar variation 133857 (VCV000133857.5), dbSNP rs61747430, ClinGen allele CA157995.
Genomic context (GRCh38, chr17:39,525,947, plus strand): 5'-CTGAATCAAAGTGAATTGGCAGTGTTATTAAACCTGCTGCAGAGCCAAACCGACCTGAGC[A>G]TCCCTCAAATGGCACAGCTGCTTAACATCCACTCCAACCCAGAGATGCAGCAGCAGCTGG-3'
Protein context (NP_057591.2, residues 1121-1141): NLLQSQTDLS[Ile1131Val]PQMAQLLNIH

ClinVar aggregate classification (germline): Benign/Likely benign. Review status: criteria provided, multiple submitters, no conflicts (2 of 4 stars). 4 submissions from 4 submitters: Benign (1); Likely benign (1). 2 of the submissions do not count toward it. Last evaluated 2022-04-19.

Conditions:
CDK12-related disorder. Also called: CDK12-related condition.
Hereditary breast ovarian cancer syndrome. Also called: Hereditary breast and ovarian cancer; Breast and ovarian cancer; Hereditary breast and ovarian cancer syndrome (HBOC); Hereditary breast and/or ovarian cancer syndrome; Hereditary breast and ovarian cancer syndrome; BRCA1- and BRCA2-Associated Hereditary Breast and Ovarian Cancer. Identifiers: Orphanet 145, MedGen C0677776, MeSH D061325, MONDO:0003582. Disease mechanism: loss of function.

Allele frequency attached by ClinVar (database versions not stated): gnomAD exomes 0.00083 and 0.00241; ExAC 0.00293; 1000 Genomes Project 0.00859; gnomAD 0.00894 and 0.00963; 1000 Genomes Project 30x 0.00968; TOPMed 0.01074; ESP Exome Variant Server 0.01146.
gnomAD v4.1: 2,610 of 1,614,184 alleles (0.16%); highest among the groups gnomAD compares: African/African-American, 3.1%; 37 homozygotes.

Submissions (4):

National Health Laboratory Service, Universitas Academic Hospital and University of the Free State
Classification: Benign for Hereditary breast ovarian cancer syndrome. Last evaluated: 2022-04-19. Review status: criteria provided, single submitter. Criteria: ACMG Guidelines, 2015. Collection method: clinical testing. Allele origin: germline. Affected: yes. Observed: 10 variant alleles.

Breakthrough Genomics
Classification: Likely benign. Review status: criteria provided, single submitter. Criteria: ACMG Guidelines, 2015. Collection method: not provided. Allele origin: germline. Inheritance: Unknown mechanism. Affected: yes.

PreventionGenetics, part of Exact Sciences
Classification: Benign for CDK12-related condition. Last evaluated: 2019-02-21. Review status: no assertion criteria provided. Collection method: clinical testing. Allele origin: germline. Not counted in ClinVar's aggregate classification.
Comment: This variant is classified as benign based on ACMG/AMP sequence variant interpretation guidelines (Richards et al. 2015 PMID: 25741868, with internal and published modifications).

ITMI
No classification provided. Condition: AllHighlyPenetrant. Last evaluated: 2013-09-19. Review status: no classification provided. Collection method: reference population. Allele origin: germline. Not counted in ClinVar's aggregate classification.
Comment: Please see associated publication for description of ethnicities

Literature cited by the submitters: PubMed 24728327 (cited by ITMI).